The following is an entry in ClinVar:

NM_004380.3(CREBBP):c.181C>G (p.Pro61Ala)

Gene: CREBBP (CREB binding lysine acetyltransferase; minus strand). Cytogenetic location: 16p13.3.
Variant type: single nucleotide variant.
Coding change: c.181C>G on transcript NM_004380.3 (MANE Select); coding-DNA position 181, C replaced by G.
Protein change: p.Pro61Ala; replaces proline 61 with alanine.
Molecular consequence: missense variant.
Genome position (GRCh38, 1-based): chr16:3,850,914, G>C on the plus strand (C>G on the coding strand, the complement: CREBBP is on the minus strand). VCF-style: chr16-3850914-G-C. GRCh37 (hg19) VCF-style: chr16-3900915-G-C.
Other names: c.181C>G, p.Pro61Ala (NM_001079846.1); c.181C>G (NM_004380.2); short protein forms P61A.
Identifiers: ClinVar variation 4773902 (VCV004773902.2).

ClinVar aggregate classification (germline): Uncertain significance. Review status: criteria provided, multiple submitters, no conflicts (2 of 4 stars). 2 submissions from 2 submitters: Uncertain significance (2). Last evaluated 2025-11-17.

Conditions:
Rubinstein-Taybi syndrome (RSTS). Identifiers: Orphanet 783, MedGen C0035934, MONDO:0019188.
CREBBP-related disorder. Also called: CREBBP-related condition; CREBBP-related disorders.

gnomAD v4.1: 1 of 1,614,136 alleles (0.000062%); highest among the groups gnomAD compares: Non-Finnish European, 0.000085%; no homozygotes.

Submissions (2):

PreventionGenetics, part of Exact Sciences
Classification: Uncertain significance for CREBBP-related condition. Last evaluated: 2025-11-17. Review status: criteria provided, single submitter. Criteria: ACMG Guidelines, 2015. Collection method: clinical testing. Allele origin: germline.
Comment: The CREBBP c.181C>G variant is predicted to result in the amino acid substitution p.Pro61Ala. To our knowledge, this variant has not been reported in the literature or in a large population database (gnomAD), indicating this variant is rare. At this time, the clinical significance of this variant is uncertain due to the absence of conclusive functional and genetic evidence.

Labcorp Genetics (formerly Invitae), Labcorp
Classification: Uncertain significance for Rubinstein-Taybi syndrome. Last evaluated: 2025-10-21. Review status: criteria provided, single submitter. Criteria: Invitae Variant Classification Sherloc (09022015). Collection method: clinical testing. Allele origin: germline.
Comment: This sequence change replaces proline, which is neutral and non-polar, with alanine, which is neutral and non-polar, at codon 61 of the CREBBP protein (p.Pro61Ala). This variant is not present in population databases (gnomAD no frequency). This variant has not been reported in the literature in individuals affected with CREBBP-related conditions. Invitae Evidence Modeling of protein sequence and biophysical properties (such as structural, functional, and spatial information, amino acid conservation, physicochemical variation, residue mobility, and thermodynamic stability) indicates that this missense variant is not expected to disrupt CREBBP protein function with a negative predictive value of 95%. In summary, the available evidence is currently insufficient to determine the role of this variant in disease. Therefore, it has been classified as a Variant of Uncertain Significance.